The following is an entry in ClinVar:

ClinVar aggregate classification (germline): Uncertain significance (1 of 4 stars; one submission).

Conditions:
RYR1-related disorder. Also called: RYR1-related condition; RYR1-related disorders. Identifiers: MedGen CN239331.

Allele frequency attached by ClinVar (database versions not stated): gnomAD exomes below 0.00001.
gnomAD v4.1: 1 of 1,614,140 alleles (0.000062%); highest among the groups gnomAD compares: Non-Finnish European, 0.000085%; no homozygotes.

Submission:

Labcorp Genetics (formerly Invitae), Labcorp
Classification: Uncertain significance for RYR1-related disorder. Last evaluated: 2023-12-27. Review status: criteria provided, single submitter. Criteria: Invitae Variant Classification Sherloc (09022015). Collection method: clinical testing. Allele origin: germline.
Comment: This sequence change replaces aspartic acid, which is acidic and polar, with glycine, which is neutral and non-polar, at codon 3675 of the RYR1 protein (p.Asp3675Gly). This variant is not present in population databases (gnomAD no frequency). This variant has not been reported in the literature in individuals affected with RYR1-related conditions. Advanced modeling of protein sequence and biophysical properties (such as structural, functional, and spatial information, amino acid conservation, physicochemical variation, residue mobility, and thermodynamic stability) has been performed at Invitae for this missense variant, however the output from this modeling did not meet the statistical confidence thresholds required to predict the impact of this variant on RYR1 protein function. Algorithms developed to predict the effect of sequence changes on RNA splicing suggest that this variant may disrupt the consensus splice site. In summary, the available evidence is currently insufficient to determine the role of this variant in disease. Therefore, it has been classified as a Variant of Uncertain Significance.

NM_000540.3(RYR1):c.11024A>G (p.Asp3675Gly)

Gene: RYR1 (ryanodine receptor 1; plus strand). Cytogenetic location: 19q13.2.
Variant type: single nucleotide variant.
Coding change: c.11024A>G on transcript NM_000540.3 (MANE Select); coding-DNA position 11024, A replaced by G.
Protein change: p.Asp3675Gly; replaces aspartic acid 3675 with glycine.
Molecular consequence: missense variant.
Genome position (GRCh38, 1-based): chr19:38,528,685, A>G. VCF-style: chr19-38528685-A-G. GRCh37 (hg19) VCF-style: chr19-39019325-A-G.
Other names: c.11009A>G, p.Asp3670Gly (NM_001042723.2); short protein forms D3670G, D3675G.
Identifiers: ClinVar variation 2747067 (VCV002747067.3), dbSNP rs2514497793, ClinGen allele CA405649862.